The following is an entry in ClinVar:

NM_173546.3(KLHDC8B):c.788G>A (p.Arg263His)

Gene: KLHDC8B (kelch domain containing 8B; plus strand). Cytogenetic location: 3p21.31.
Variant type: single nucleotide variant.
Coding change: c.788G>A on transcript NM_173546.3 (MANE Select); coding-DNA position 788, G replaced by A.
Protein change: p.Arg263His; replaces arginine 263 with histidine.
Molecular consequence: missense variant.
Genome position (GRCh38, 1-based): chr3:49,175,083, G>A. VCF-style: chr3-49175083-G-A. GRCh37 (hg19) VCF-style: chr3-49212516-G-A.
Other names: short protein forms R263H.
Identifiers: ClinVar variation 3711193 (VCV003711193.2).

ClinVar aggregate classification (germline): Uncertain significance (1 of 4 stars; one submission).

Submission:

Labcorp Genetics (formerly Invitae), Labcorp
Classification: Uncertain significance. Last evaluated: 2025-05-03. Review status: criteria provided, single submitter. Criteria: Invitae Variant Classification Sherloc (09022015). Collection method: clinical testing. Allele origin: germline.
Comment: This sequence change replaces arginine, which is basic and polar, with histidine, which is basic and polar, at codon 263 of the KLHDC8B protein (p.Arg263His). The frequency data for this variant in the population databases is considered unreliable, as metrics indicate poor data quality at this position in the gnomAD database. This variant has not been reported in the literature in individuals affected with KLHDC8B-related conditions. ClinVar contains an entry for this variant (Variation ID: 3711193). An algorithm developed to predict the effect of missense changes on protein structure and function (PolyPhen-2) suggests that this variant is likely to be disruptive. In summary, the available evidence is currently insufficient to determine the role of this variant in disease. Therefore, it has been classified as a Variant of Uncertain Significance.